The following is an entry in ClinVar:

ClinVar aggregate classification (germline): Conflicting classifications of pathogenicity. Review status: criteria provided, conflicting classifications (1 of 4 stars). 7 submissions from 7 submitters: Uncertain significance (4); Benign (1). 2 of the submissions do not count toward it. Last evaluated 2025-11-05.

Conditions:
NPHP4-related disorder. Also called: NPHP4-related disorders; NPHP4-related condition. Identifiers: MedGen CN239384.
Inborn genetic diseases. Identifiers: MedGen C0950123, MeSH D030342.
Senior-Loken syndrome 4 (SLSN4). Identifiers: Orphanet 3156, MedGen C1846979, MONDO:0011756, OMIM 606996.
Nephronophthisis 4 (NPHP4). Also called: NEPHRONOPHTHISIS 4, JUVENILE. Identifiers: Orphanet 655, MedGen C1847013, MONDO:0011752, OMIM 606966.
Nephronophthisis. Also called: Juvenile Nephronophthisis. Identifiers: Orphanet 655, MedGen C0687120, MONDO:0019005, HP:0000090.

Allele frequency attached by ClinVar (database versions not stated): gnomAD 0.00002 and 0.00005.
gnomAD v4.1: 130 of 1,613,642 alleles (0.0081%); highest among the groups gnomAD compares: South Asian, 0.087%; 1 homozygote.

Submissions (7):

PreventionGenetics, part of Exact Sciences
Classification: Uncertain significance for NPHP4-related condition. Last evaluated: 2025-11-05. Review status: criteria provided, single submitter. Criteria: ACMG Guidelines, 2015. Collection method: clinical testing. Allele origin: germline.
Comment: The NPHP4 c.578C>T variant is predicted to result in the amino acid substitution p.Pro193Leu. To our knowledge, this variant has not been reported in the literature. This variant is reported in 0.11% of alleles in individuals of South Asian descent in gnomAD. At this time, the clinical significance of this variant is uncertain due to the absence of conclusive functional and genetic evidence.

Labcorp Genetics (formerly Invitae), Labcorp
Classification: Uncertain significance for Nephronophthisis. Last evaluated: 2025-11-04. Review status: criteria provided, single submitter. Criteria: Invitae Variant Classification Sherloc (09022015). Collection method: clinical testing. Allele origin: germline.
Comment: This sequence change replaces proline, which is neutral and non-polar, with leucine, which is neutral and non-polar, at codon 193 of the NPHP4 protein (p.Pro193Leu). This variant is present in population databases (rs779760001, gnomAD 0.1%). This variant has not been reported in the literature in individuals affected with NPHP4-related conditions. ClinVar contains an entry for this variant (Variation ID: 1054238). Invitae Evidence Modeling of protein sequence and biophysical properties (such as structural, functional, and spatial information, amino acid conservation, physicochemical variation, residue mobility, and thermodynamic stability) indicates that this missense variant is expected to disrupt NPHP4 protein function with a positive predictive value of 80%. In summary, the available evidence is currently insufficient to determine the role of this variant in disease. Therefore, it has been classified as a Variant of Uncertain Significance.

Ambry Genetics
Classification: Uncertain significance for Inborn genetic diseases. Last evaluated: 2025-03-04. Review status: criteria provided, single submitter. Criteria: Ambry Variant Classification Scheme 2023. Collection method: clinical testing. Allele origin: germline.

Blueprint Genetics
Classification: Benign. Last evaluated: 2023-09-22. Review status: criteria provided, single submitter. Criteria: ACMG Guidelines, 2015. Collection method: clinical testing. Allele origin: germline.

Fulgent Genetics
Classification: Uncertain significance for Nephronophthisis 4; Senior-Loken syndrome 4. Last evaluated: 2022-03-10. Review status: criteria provided, single submitter. Criteria: ACMG Guidelines, 2015. Collection method: clinical testing. Allele origin: unknown.

Clinical Genetics DNA and cytogenetics Diagnostics Lab, Erasmus MC, Erasmus Medical Center
Classification: Likely benign. Review status: no assertion criteria provided. Collection method: clinical testing. Allele origin: germline. Affected: yes. Study: VKGL Data-share Consensus. Not counted in ClinVar's aggregate classification.

Genome Diagnostics Laboratory, University Medical Center Utrecht
Classification: Likely benign. Review status: no assertion criteria provided. Collection method: clinical testing. Allele origin: germline. Affected: yes. Study: VKGL Data-share Consensus. Not counted in ClinVar's aggregate classification.

NM_015102.5(NPHP4):c.578C>T (p.Pro193Leu)

Gene: NPHP4 (nephrocystin 4; minus strand). Cytogenetic location: 1p36.31.
Variant type: single nucleotide variant.
Coding change: c.578C>T on transcript NM_015102.5 (MANE Select); coding-DNA position 578, C replaced by T.
Protein change: p.Pro193Leu; replaces proline 193 with leucine.
Molecular consequence: missense variant. On other transcripts: 5 prime UTR variant (2), non-coding transcript variant (1).
Genome position (GRCh38, 1-based): chr1:5,961,889, G>A on the plus strand (C>T on the coding strand, the complement: NPHP4 is on the minus strand). VCF-style: chr1-5961889-G-A. GRCh37 (hg19) VCF-style: chr1-6021949-G-A.
Other names: c.-652C>T (NM_001291593.2); c.-789C>T (NM_001291594.2); c.578C>T (NM_015102.4, NM_015102.3); short protein forms P193L.
Identifiers: ClinVar variation 1054238 (VCV001054238.13), dbSNP rs779760001, ClinGen allele CA554800.